The following is an entry in ClinVar:

NM_000069.3(CACNA1S):c.835G>A (p.Gly279Ser)

Gene: CACNA1S (calcium voltage-gated channel subunit alpha1 S; minus strand). Cytogenetic location: 1q32.1.
Variant type: single nucleotide variant.
Coding change: c.835G>A on transcript NM_000069.3 (MANE Select); coding-DNA position 835, G replaced by A.
Protein change: p.Gly279Ser; replaces glycine 279 with serine.
Molecular consequence: missense variant.
Genome position (GRCh38, 1-based): chr1:201,089,323, C>T on the plus strand (G>A on the coding strand, the complement: CACNA1S is on the minus strand). VCF-style: chr1-201089323-C-T. GRCh37 (hg19) VCF-style: chr1-201058451-C-T.
Other names: short protein forms G279S.
Identifiers: ClinVar variation 1058637 (VCV001058637.11), dbSNP rs375704313, ClinGen allele CA084013.

ClinVar aggregate classification (germline): Conflicting classifications of pathogenicity. Review status: criteria provided, conflicting classifications (1 of 4 stars). 5 submissions from 5 submitters: Uncertain significance (4); Likely benign (1). Last evaluated 2025-10-24.

Conditions:
Hypokalemic periodic paralysis, type 1. Also called: Hypokalemic Periodic Paralysis Type 1 (AD); HypoPP. Identifiers: Orphanet 681, MedGen C3714580, MONDO:0042979, OMIM 170400.
Malignant hyperthermia, susceptibility to, 5 (MHS5). Also called: CACNA1S-Related Malignant Hyperthermia Susceptibility. Identifiers: Orphanet 423, MedGen C1866077, MONDO:0011163, OMIM 601887.
Thyrotoxic periodic paralysis, susceptibility to, 1 (TTPP1). Identifiers: Orphanet 79102, MedGen C2749982, MONDO:0008570, OMIM 188580.

Allele frequency attached by ClinVar (database versions not stated): gnomAD 0.00002; ESP Exome Variant Server 0.00008.
gnomAD v4.1: 36 of 1,614,126 alleles (0.0022%); highest among the groups gnomAD compares: East Asian, 0.02%; no homozygotes.

Submissions (5):

Labcorp Genetics (formerly Invitae), Labcorp
Classification: Likely benign for Hypokalemic periodic paralysis, type 1; Malignant hyperthermia, susceptibility to, 5. Last evaluated: 2025-10-24. Review status: criteria provided, single submitter. Criteria: Invitae Variant Classification Sherloc (09022015). Collection method: clinical testing. Allele origin: germline.

Color Diagnostics, LLC DBA Color Health
Classification: Uncertain significance for Malignant hyperthermia, susceptibility to, 5. Last evaluated: 2023-11-15. Review status: criteria provided, single submitter. Criteria: ACMG Guidelines, 2015. Collection method: clinical testing. Allele origin: germline.
Comment: This missense variant replaces glycine with serine at codon 279 of the CACNA1S protein. Computational prediction suggests that this variant may have deleterious impact on protein structure and function. To our knowledge, functional studies have not been reported for this variant. This variant has not been reported in individuals affected with CACNA1S-related disorders in the literature. This variant has been identified in 6/251406 chromosomes in the general population by the Genome Aggregation Database (gnomAD). The available evidence is insufficient to determine the role of this variant in disease conclusively. Therefore, this variant is classified as a Variant of Uncertain Significance.

Revvity Omics, Revvity
Classification: Uncertain significance. Last evaluated: 2023-11-09. Review status: criteria provided, single submitter. Criteria: ACMG Guidelines, 2015. Collection method: clinical testing. Allele origin: germline.

Fulgent Genetics
Classification: Uncertain significance for Hypokalemic periodic paralysis, type 1; Thyrotoxic periodic paralysis, susceptibility to, 1; Malignant hyperthermia, susceptibility to, 5. Last evaluated: 2022-03-31. Review status: criteria provided, single submitter. Criteria: ACMG Guidelines, 2015. Collection method: clinical testing. Allele origin: unknown.

GeneDx
Classification: Uncertain significance. Last evaluated: 2022-03-24. Review status: criteria provided, single submitter. Criteria: GeneDx Variant Classification Process June 2021. Collection method: clinical testing. Allele origin: germline. Affected: yes.
Comment: In silico analysis supports that this missense variant does not alter protein structure/function; Has not been previously published as pathogenic or benign to our knowledge